The following is an entry in ClinVar:

NM_152703.5(SAMD9L):c.2114A>C (p.Tyr705Ser)

Gene: SAMD9L (sterile alpha motif domain containing 9 like; minus strand). Cytogenetic location: 7q21.2.
Variant type: single nucleotide variant.
Coding change: c.2114A>C on transcript NM_152703.5 (MANE Select); coding-DNA position 2114, A replaced by C.
Protein change: p.Tyr705Ser; replaces tyrosine 705 with serine.
Molecular consequence: missense variant.
Genome position (GRCh38, 1-based): chr7:93,133,858, T>G on the plus strand (A>C on the coding strand, the complement: SAMD9L is on the minus strand). VCF-style: chr7-93133858-T-G. GRCh37 (hg19) VCF-style: chr7-92763171-T-G.
Other names: c.2114A>C, p.Tyr705Ser (NM_001303496.3, NM_001303497.3, NM_001303498.3 and 5 more transcripts); short protein forms Y705S.
Identifiers: ClinVar variation 4842037 (VCV004842037.1).

ClinVar aggregate classification (germline): Uncertain significance (1 of 4 stars; one submission).

Conditions:
Inborn genetic diseases. Identifiers: MedGen C0950123, MeSH D030342.

Submission:

Ambry Genetics
Classification: Uncertain significance for Inborn genetic diseases. Last evaluated: 2026-01-10. Review status: criteria provided, single submitter. Criteria: Ambry Variant Classification Scheme 2023. Collection method: clinical testing. Allele origin: germline.
Comment: The p.Y705S variant (also known as c.2114A>C), located in coding exon 1 of the SAMD9L gene, results from an A to C substitution at nucleotide position 2114. The tyrosine at codon 705 is replaced by serine, an amino acid with dissimilar properties. This amino acid position is conserved. In addition, this alteration is predicted to be tolerated by in silico analysis. Based on the available evidence, the clinical significance of this variant remains unclear.